The following is an entry in ClinVar:

ClinVar aggregate classification (germline): Conflicting classifications of pathogenicity. Review status: criteria provided, conflicting classifications (1 of 4 stars). 2 submissions from 2 submitters: Uncertain significance (1); Likely benign (1). Last evaluated 2026-04-28.

Conditions:
BSCL2-related disorder. Also called: BSCL2-related condition; BSCL2-Related Disorders.

Allele frequency attached by ClinVar (database versions not stated): gnomAD 0.00022 and 0.00027; 1000 Genomes Project 0.00120; 1000 Genomes Project 30x 0.00109; TOPMed 0.00026.
gnomAD v4.1: 137 of 652,116 alleles (0.021%); highest among the groups gnomAD compares: East Asian, 0.25%; 1 homozygote.

Submissions (2):

PreventionGenetics, part of Exact Sciences
Classification: Likely benign for BSCL2-related condition. Last evaluated: 2026-04-28. Review status: criteria provided, single submitter. Criteria: ACMG Guidelines, 2015. Collection method: clinical testing. Allele origin: germline.
Comment: This variant is classified as likely benign based on ACMG/AMP sequence variant interpretation guidelines (Richards et al. 2015 PMID: 25741868, with internal and published modifications).

GeneDx
Classification: Uncertain significance. Last evaluated: 2026-03-14. Review status: criteria provided, single submitter. Criteria: GeneDx Variant Classification Process June 2021. Collection method: clinical testing. Allele origin: germline.
Comment: Has not been previously published as pathogenic or benign to our knowledge; Located in a regulatory region; in the absence of functional studies, the actual effect of this sequence change is unknown

NC_000011.10:g.62707486C>T

Genes: BSCL2 (BSCL2 lipid droplet biogenesis associated, seipin; minus strand), GNG3 (G protein subunit gamma 3; plus strand), HNRNPUL2-BSCL2 (HNRNPUL2-BSCL2 readthrough (NMD candidate); minus strand). Cytogenetic location: 11q12.3.
Variant type: single nucleotide variant.
Molecular consequence: intron variant (on NM_001386028.1).
Genome position: GRCh38 VCF-style: chr11-62707486-C-T. GRCh37 (hg19) VCF-style: chr11-62474958-C-T.
Other names: c.-291G>A (NM_001122955.3); c.-129-162G>A (NM_001386028.1, NM_001386027.1).
Identifiers: ClinVar variation 4976631 (VCV004976631.2), dbSNP rs190405606.